The following is an entry in ClinVar:

NM_001042492.3(NF1):c.2619T>C (p.Arg873=)

Gene: NF1 (neurofibromin 1; plus strand). Cytogenetic location: 17q11.2.
Variant type: single nucleotide variant.
Coding change: c.2619T>C on transcript NM_001042492.3 (MANE Select); coding-DNA position 2619, T replaced by C.
Protein change: p.Arg873=; no amino-acid change (arginine 873 retained).
Molecular consequence: synonymous variant.
Genome position (GRCh38, 1-based): chr17:31,229,234, T>C. VCF-style: chr17-31229234-T-C. GRCh37 (hg19) VCF-style: chr17-29556252-T-C.
Other names: c.2619T>C, p.Arg873= (NM_000267.4).
Identifiers: ClinVar variation 232417 (VCV000232417.29), dbSNP rs766212733, ClinGen allele CA8486005.
Genomic context (GRCh38, chr17:31,229,234, plus strand): 5'-GCAGAGAAGCAATTCTGGCCTGGCAACCTATAGCCCACCCATGGGTCCAGTCAGTGAACG[T>C]AAGGGTTCTATGATTTCAGTGATGTCTTCAGAGGGAAACGCAGATACACCTGTCAGCAAA-3'
Protein context (NP_001035957.1, residues 863-883): YSPPMGPVSE[Arg873=]KGSMISVMSS

ClinVar aggregate classification (germline): Benign/Likely benign. Review status: criteria provided, multiple submitters, no conflicts (2 of 4 stars). 8 submissions from 8 submitters: Benign (1); Likely benign (7). Last evaluated 2026-05-18.

Conditions:
Hereditary cancer-predisposing syndrome. Also called: Neoplastic Syndromes, Hereditary; Hereditary Cancer Syndrome; Tumor predisposition; Hereditary neoplastic syndrome. Identifiers: Orphanet 140162, MedGen C0027672, MeSH D009386, MONDO:0015356.
Neurofibromatosis, type 1 (NF1). Also called: VON RECKLINGHAUSEN DISEASE; Peripheral type neurofibromatosis; NEUROFIBROMATOSIS, TYPE I, SOMATIC; Neurofibromatosis, type I. Identifiers: Orphanet 636, MedGen C0027831, MONDO:0018975, OMIM 162200. Disease mechanism: loss of function.

Allele frequency attached by ClinVar (database versions not stated): ExAC 0.00001; gnomAD 0.00001; TOPMed 0.00001; gnomAD exomes 0.00002.
gnomAD v4.1: 27 of 1,612,302 alleles (0.0017%); highest among the groups gnomAD compares: South Asian, 0.0055%; 1 homozygote.

Submissions (8):

Myriad Genetics, Inc.
Classification: Benign for Neurofibromatosis, type 1. Last evaluated: 2026-05-18. Review status: criteria provided, single submitter. Criteria: Myriad Autosomal Dominant, Autosomal Recessive and X-Linked Classification Criteria (2023). Collection method: clinical testing. Allele origin: unknown.
Comment: This variant is considered benign. This variant is a silent/synonymous amino acid change and it is not expected to impact splicing.

Labcorp Genetics (formerly Invitae), Labcorp
Classification: Likely benign for Neurofibromatosis, type 1. Last evaluated: 2026-01-18. Review status: criteria provided, single submitter. Criteria: Invitae Variant Classification Sherloc (09022015). Collection method: clinical testing. Allele origin: germline.

CeGaT Center for Human Genetics Tuebingen
Classification: Likely benign. Last evaluated: 2025-08-01. Review status: criteria provided, single submitter. Criteria: CeGaT Center For Human Genetics Tuebingen Variant Classification Criteria Version 2. Collection method: clinical testing. Allele origin: germline. Affected: yes. Observed: 1 variant allele.
Comment: NF1: BP4, BP7

Genome-Nilou Lab
Classification: Likely benign for Neurofibromatosis, type 1. Last evaluated: 2022-03-15. Review status: criteria provided, single submitter. Criteria: ACMG Guidelines, 2015. Collection method: clinical testing. Allele origin: germline. Affected: no.

Sema4
Classification: Likely benign for Hereditary cancer-predisposing syndrome. Last evaluated: 2020-07-14. Review status: criteria provided, single submitter. Criteria: Sema4 Curation Guidelines. Collection method: curation. Allele origin: germline.

GeneDx
Classification: Likely benign. Last evaluated: 2020-01-02. Review status: criteria provided, single submitter. Criteria: GeneDx Variant Classification Process June 2021. Collection method: clinical testing. Allele origin: germline. Affected: yes.

Laboratory for Molecular Medicine, Mass General Brigham Personalized Medicine
Classification: Likely benign. Last evaluated: 2017-01-18. Review status: criteria provided, single submitter. Criteria: LMM Criteria. Collection method: clinical testing. Allele origin: germline. Observed: 1 variant allele.
Comment: p.Arg873Arg in exon 21 of NF1: This variant is not expected to have clinical sig nificance because it does not alter an amino acid residue and is not located wit hin the splice consensus sequence. It has been identified in 1/16512 South Asian chromosomes by the Exome Aggregation Consortium (ExAC; dbSNP rs766212733).

Ambry Genetics
Classification: Likely benign for Hereditary cancer-predisposing syndrome. Last evaluated: 2016-03-09. Review status: criteria provided, single submitter. Criteria: Ambry Autosomal Dominant and X-Linked criteria (10/2015). Collection method: clinical testing. Allele origin: germline. Observed: 1 variant allele.
Comment: Synonymous alterations with insufficient evidence to classify as benign